The following is an entry in ClinVar:

ClinVar aggregate classification (germline): Uncertain significance (1 of 4 stars; one submission).

Submission:

Labcorp Genetics (formerly Invitae), Labcorp
Classification: Uncertain significance. Last evaluated: 2024-05-24. Review status: criteria provided, single submitter. Criteria: Invitae Variant Classification Sherloc (09022015). Collection method: clinical testing. Allele origin: germline.
Comment: This sequence change replaces threonine, which is neutral and polar, with serine, which is neutral and polar, at codon 1334 of the VCAN protein (p.Thr1334Ser). This variant is not present in population databases (gnomAD no frequency). This variant has not been reported in the literature in individuals affected with VCAN-related conditions. An algorithm developed to predict the effect of missense changes on protein structure and function (PolyPhen-2) suggests that this variant is likely to be disruptive. In summary, the available evidence is currently insufficient to determine the role of this variant in disease. Therefore, it has been classified as a Variant of Uncertain Significance.

NM_004385.5(VCAN):c.4000A>T (p.Thr1334Ser)

Gene: VCAN (versican; plus strand). Cytogenetic location: 5q14.3.
Variant type: single nucleotide variant.
Coding change: c.4000A>T on transcript NM_004385.5 (MANE Select); coding-DNA position 4000, A replaced by T.
Protein change: p.Thr1334Ser; replaces threonine 1334 with serine.
Molecular consequence: missense variant. On other transcripts: intron variant (2).
Genome position (GRCh38, 1-based): chr5:83,522,306, A>T. VCF-style: chr5-83522306-A-T. GRCh37 (hg19) VCF-style: chr5-82818125-A-T.
Other names: c.4000A>T, p.Thr1334Ser (NM_001164098.2); c.1042+9910A>T (NM_001164097.2, NM_001126336.3); short protein forms T1334S.
Identifiers: ClinVar variation 3654513 (VCV003654513.2).
Genomic context (GRCh38, chr5:83,522,306, plus strand): 5'-GCAAGCACAAAATTTCACCCTGACATTAATGTTTATATTATTGAGGTCAGAGAAAATAAG[A>T]CAGGTAAGTCTTTGCTTTCTAGACTAGCATTGAAGGCAATCCTCATTTTATCTTGAAAGT-3'
Protein context (NP_004376.2, residues 1324-1344): VYIIEVRENK[Thr1334Ser]GRMSDLSVIG